The following continues an entry in ClinVar:

NM_018297.4(NGLY1):c.1201A>T (p.Arg401Ter)

Gene: NGLY1. ClinVar aggregate classification (germline): Pathogenic/Likely pathogenic. Pathogenic (15); Likely pathogenic (1).

Submissions 15 to 22 of 22:

Baylor Genetics
Classification: Pathogenic for Congenital disorder of deglycosylation 1. Last evaluated: 2018-01-22. Review status: criteria provided, single submitter. Criteria: ACMG Guidelines, 2015. Collection method: clinical testing. Allele origin: paternal. Affected: yes.
Comment: This variant was determined to be pathogenic according to ACMG Guidelines, 2015 [PMID:25741868]. This variant has been previously reported in patients with NGLY1 deficiency [PMID 22581936, 26350515, 24651605, 27388694]

Lupski Lab, Baylor-Hopkins CMG, Baylor College of Medicine
Classification: Pathogenic for Congenital disorder of deglycosylation 1. Last evaluated: 2015-09-09. Review status: criteria provided, single submitter. Criteria: Bosch et al. (EJHG 2015). Collection method: research. Allele origin: germline. Inheritance: Autosomal recessive inheritance. Affected: yes and no. Observed: 3 variant alleles, 2 heterozygotes, 1 homozygote.
Comment: This study shows that diverse genetic causes underlie CVI.

OMIM
Classification: Pathogenic for CONGENITAL DISORDER OF DEGLYCOSYLATION 1. Last evaluated: 2014-03-20. Review status: no assertion criteria provided. Collection method: literature only. Allele origin: germline. Not counted in ClinVar's aggregate classification.

Clinical Genetics DNA and cytogenetics Diagnostics Lab, Erasmus MC, Erasmus Medical Center
Classification: Pathogenic. Review status: no assertion criteria provided. Collection method: clinical testing. Allele origin: germline. Affected: yes. Study: VKGL Data-share Consensus. Not counted in ClinVar's aggregate classification.

Diagnostic Laboratory, Department of Genetics, University Medical Center Groningen
Classification: Pathogenic. Review status: no assertion criteria provided. Collection method: clinical testing. Allele origin: germline. Affected: yes. Study: VKGL Data-share Consensus. Not counted in ClinVar's aggregate classification.

GeneReviews
No classification provided. Condition: Congenital disorder of deglycosylation. Review status: no classification provided. Collection method: literature only. Allele origin: germline. Not counted in ClinVar's aggregate classification.

Joint Genome Diagnostic Labs from Nijmegen and Maastricht, Radboudumc and MUMC+
Classification: Pathogenic. Review status: no assertion criteria provided. Collection method: clinical testing. Allele origin: germline. Affected: yes. Study: VKGL Data-share Consensus. Not counted in ClinVar's aggregate classification.

Laboratory of Diagnostic Genome Analysis, Leiden University Medical Center (LUMC)
Classification: Pathogenic. Review status: no assertion criteria provided. Collection method: clinical testing. Allele origin: germline. Affected: yes. Study: VKGL Data-share Consensus. Not counted in ClinVar's aggregate classification.

Literature cited by the submitters: PubMed 24651605 (cited by 5 submitters); PubMed 26350515 (cited by Labcorp Genetics (formerly Invitae), Labcorp and Baylor Genetics); PubMed 27388694 (cited by 5 submitters); PubMed 22581936 (cited by 4 submitters); PubMed 35243670 (cited by Mayo Clinic Laboratories, Mayo Clinic); PubMed 36528660 (cited by Mayo Clinic Laboratories, Mayo Clinic); PubMed 36980880 (cited by Mayo Clinic Laboratories, Mayo Clinic); PubMed 32071843 (cited by Victorian Clinical Genetics Services, Murdoch Childrens Research Institute); PubMed 31957011 (cited by OMIM); PubMed 29419975 (cited by GeneReviews).